The following is an entry in ClinVar:

ClinVar aggregate classification (germline): Uncertain significance (1 of 4 stars; one submission).

Conditions:
Inborn genetic diseases. Identifiers: MedGen C0950123, MeSH D030342.

gnomAD v4.1: 1 of 1,613,518 alleles (0.000062%); highest among the groups gnomAD compares: Non-Finnish European, 0.000085%; no homozygotes.

Submission:

Ambry Genetics
Classification: Uncertain significance for Inborn genetic diseases. Last evaluated: 2026-05-28. Review status: criteria provided, single submitter. Criteria: Ambry Variant Classification Scheme 2023. Collection method: clinical testing. Allele origin: germline.
Comment: The p.D272G variant (also known as c.815A>G), located in coding exon 5 of the ERCC6L2 gene, results from an A to G substitution at nucleotide position 815. The aspartic acid at codon 272 is replaced by glycine, an amino acid with similar properties. This amino acid position is conserved. In addition, this alteration is predicted to be deleterious by in silico analysis. Based on the available evidence, the clinical significance of this variant remains unclear.

NM_020207.7(ERCC6L2):c.815A>G (p.Asp272Gly)

Gene: ERCC6L2 (ERCC excision repair 6 like 2; plus strand). Cytogenetic location: 9q22.32.
Variant type: single nucleotide variant.
Coding change: c.815A>G on transcript NM_020207.7 (MANE Select); coding-DNA position 815, A replaced by G.
Protein change: p.Asp272Gly; replaces aspartic acid 272 with glycine.
Molecular consequence: missense variant. On other transcripts: non-coding transcript variant (1).
Genome position (GRCh38, 1-based): chr9:95,915,694, A>G. VCF-style: chr9-95915694-A-G. GRCh37 (hg19) VCF-style: chr9-98677976-A-G.
Other names: c.815A>G, p.Asp272Gly (NM_001010895.4, NM_001375291.1, NM_001375292.1 and 2 more transcripts); short protein forms D272G.
Identifiers: ClinVar variation 4870622 (VCV004870622.1).